The following is an entry in ClinVar:

ClinVar aggregate classification (germline): Likely pathogenic (1 of 4 stars; one submission).

Conditions:
SMARCA4-related disorder. Also called: SMARCA4-related condition.

Submission:

Rady Children's Institute for Genomic Medicine, Rady Children's Hospital San Diego
Classification: Likely pathogenic for SMARCA4-related disorders. Last evaluated: 2024-09-03. Review status: criteria provided, single submitter. Criteria: ACMG Guidelines, 2015. Collection method: clinical testing. Allele origin: germline. Affected: yes.
Comment: The c.2353A>G (p.Lys785Glu) variant affects a highly conserved amino acid and is predicted by multiple in silico tools to have a deleterious effect on protein function. This variant has not been previously reported or functionally characterized in the literature to our knowledge. The c.2353A>G (p.Lys785Glu) variant is absent from the latest version of the gnomAD population database and thus is presumed to be rare. Based on parental analysis, this variant likely occurred as a de novo event. Based on the available evidence, c.2353A>G (p.Lys785Glu) is classified as Likely Pathogenic.

NM_003072.5(SMARCA4):c.2353A>G (p.Lys785Glu)

Gene: SMARCA4 (SWI/SNF related BAF chromatin remodeling complex subunit ATPase 4; plus strand). Cytogenetic location: 19p13.2.
Variant type: single nucleotide variant.
Coding change: c.2353A>G on transcript NM_003072.5 (MANE Select); coding-DNA position 2353, A replaced by G.
Protein change: p.Lys785Glu; replaces lysine 785 with glutamic acid.
Molecular consequence: missense variant. On other transcripts: non-coding transcript variant (1).
Genome position (GRCh38, 1-based): chr19:11,013,027, A>G. VCF-style: chr19-11013027-A-G. GRCh37 (hg19) VCF-style: chr19-11123703-A-G.
Other names: c.2353A>G, p.Lys785Glu (NM_001128844.3, NM_001128845.2, NM_001128846.2 and 6 more transcripts); short protein forms K785E.
Identifiers: ClinVar variation 3773836 (VCV003773836.1).